The following continues an entry in ClinVar:

NM_000518.5(HBB):c.20A>T (p.Glu7Val)

ClinVar aggregate classification (germline): Pathogenic. Pathogenic (57).

Submissions 57 to 72 of 72:

Rady Children's Institute for Genomic Medicine, Rady Children's Hospital San Diego
Classification: Pathogenic for HBB-related disorders. Review status: criteria provided, single submitter. Criteria: ACMG Guidelines, 2015. Collection method: clinical testing. Allele origin: germline. Affected: yes.
Comment: The c.20A>T (p.Glu7Val) variant in HBB, also known as p.Glu6Val, is referred to as the hemoglobin S allele (HbS) and causes autosomal recessive sickle cell disease (MIM: #603903) when it is homozygous or compound heterozygous with a different pathogenic variant. Individuals who are heterozygous for the HbS allele have sickle cell trait (SCT). The c.20A>T (p.Glu7Val) variant is the most prevalent genotype associated with sickle cell disease (PMID: 25203083). This variant affects a highly conserved amino acid and is predicted by multiple in silico tools to have a deleterious effect on protein function. It is present at a frequency of 0.4% (1236/282580 heterozygotes and 4/282580 homozygotes) in the gnomAD population database. The c.20A>T (p.Glu7Val) variant is an established disease-causing mutation. Based on the available evidence, c.20A>T(p.Glu7Val) is classified as Pathogenic.

MOLECULAR BIOLOGY AND HUMAN GENETICS DIVISION, THE UNIVERSITY OF BURDWAN
Classification: Pathogenic for Beta-thalassemia HBB/LCRB. Last evaluated: 2024-05-07. Review status: no assertion criteria provided. Collection method: clinical testing. Allele origin: germline. Affected: yes. Observed: 39 variant alleles. Not counted in ClinVar's aggregate classification.
Comment: The variant HBB:c.20A>T [NP_000509.1:p.Glu7Val ] , produce sickle hemoglobin (HbS), it is a beta+ mutation. Homozygous of this variant is responsible for sickle cell anaemia . In combination with other beta mutation it may cause wide variety of sickle beta phenotype. The frequency of this allele in different state of India varies from 2 % to 20% (Ref: PMID: 30523337] . The frequency of this variant among hemoglobinopathy patient in West Bengal is less than 3.8 % as per multicentric project - A Genetic Diagnostic Algorithm Based Study for Thalassemia in Northern and Eastern Indian Populations, Funded by Dept. of Biotechnology , Govt of India [Project No. BT/PR26461/MED/12/821/2018].

OMIM
No classification provided. Condition: HEMOGLOBIN S. Last evaluated: 2023-09-15. Review status: no classification provided. Collection method: literature only. Allele origin: germline. Not counted in ClinVar's aggregate classification.

Genetic Services Laboratory, University of Chicago
Classification: Pathogenic for Hb SS disease. Last evaluated: 2022-01-07. Review status: no assertion criteria provided. Collection method: clinical testing. Allele origin: germline. Affected: yes. Not counted in ClinVar's aggregate classification.

Reproductive Health Research and Development, BGI Genomics
Classification: Pathogenic for Beta-thalassemia. Last evaluated: 2020-01-06. Review status: no assertion criteria provided. Collection method: curation. Allele origin: germline. Not counted in ClinVar's aggregate classification.
Comment: NM_000518.4:c.20A>T is also known as p.Glu6Lys or HbS in the literature. NM_000518.4:c.20A>T in the HBB gene has an allele frequency of 0.045 in African subpopulation in the gnomAD database. The c.20A>T (p.Glu7Val) variant in HBB is the most prevalent genotype associated with sickle cell disease (PMID: 25203083). Kondani et al reported that among 247 children, 19 (7.7%) were homozygous sickle cell anemia patients (Hb SS) (PMID: 25023084). Experimental studies have shown that this missense change affects hemoglobin polymerization and can result in abnormally-shaped red blood cells (PMID: 12124399; 28356267; 1802884). Taken together, we interprete this variant as Pathogenic/Likely pathogenic. ACMG/AMP Criteria applied: PS4; PS3; PM3; PP4.

Gharavi Laboratory, Columbia University
Classification: Pathogenic. Last evaluated: 2018-09-16. Review status: no assertion criteria provided. Criteria: ACMG Guidelines, 2015. Collection method: research. Allele origin: germline. Affected: yes. Not counted in ClinVar's aggregate classification.

Biochemical Molecular Genetic Laboratory, King Abdulaziz Medical City
Classification: Pathogenic for Hereditary persistence of fetal hemoglobin. Last evaluated: 2018-07-19. Review status: no assertion criteria provided. Collection method: clinical testing. Allele origin: germline. Affected: yes. Not counted in ClinVar's aggregate classification.

Division of Human Genetics, Children's Hospital of Philadelphia
Classification: Pathogenic for Dominant beta-thalassemia; Hb SS disease; Hereditary persistence of fetal hemoglobin; Malaria, susceptibility to; Beta-thalassemia HBB/LCRB; Heinz body anemia. Last evaluated: 2016-02-23. Review status: no assertion criteria provided. Collection method: research. Allele origin: germline. Study: CSER-PediSeq. Not counted in ClinVar's aggregate classification.

OMIM
Classification: protective for MALARIA, RESISTANCE TO. Last evaluated: 2011-12-02. Review status: no assertion criteria provided. Collection method: literature only. Allele origin: germline. Not counted in ClinVar's aggregate classification.

OMIM
Classification: Pathogenic for SICKLE CELL DISEASE. Last evaluated: 2011-12-02. Review status: no assertion criteria provided. Collection method: literature only. Allele origin: germline. Not counted in ClinVar's aggregate classification.

Clinical Genetics DNA and cytogenetics Diagnostics Lab, Erasmus MC, Erasmus Medical Center
Classification: Pathogenic. Review status: no assertion criteria provided. Collection method: clinical testing. Allele origin: germline. Affected: yes. Study: VKGL Data-share Consensus. Not counted in ClinVar's aggregate classification.

Diagnostic Laboratory, Department of Genetics, University Medical Center Groningen
Classification: Pathogenic. Review status: no assertion criteria provided. Collection method: clinical testing. Allele origin: germline. Affected: yes. Study: VKGL Data-share Consensus. Not counted in ClinVar's aggregate classification.

GeneReviews
No classification provided. Condition: Hb SS disease. Review status: no classification provided. Collection method: literature only. Allele origin: germline. Not counted in ClinVar's aggregate classification.

Genome Diagnostics Laboratory, University Medical Center Utrecht
Classification: Pathogenic. Review status: no assertion criteria provided. Collection method: clinical testing. Allele origin: germline. Affected: yes. Study: VKGL Data-share Consensus. Not counted in ClinVar's aggregate classification.

Genomics And Bioinformatics Analysis Resource, Columbia University
Classification: Pathogenic for Hb SS disease. Review status: no assertion criteria provided. Collection method: research. Allele origin: unknown. Affected: yes. Not counted in ClinVar's aggregate classification.

Joint Genome Diagnostic Labs from Nijmegen and Maastricht, Radboudumc and MUMC+
Classification: Pathogenic. Review status: no assertion criteria provided. Collection method: clinical testing. Allele origin: germline. Affected: yes. Study: VKGL Data-share Consensus. Not counted in ClinVar's aggregate classification.

Literature cited by the submitters: PubMed 25203083 (cited by 3 submitters); PubMed 12124399 (cited by 7 submitters); PubMed 1802884 (cited by 8 submitters); PubMed 19460936 (cited by Department of Molecular Genetics, Istishari Arab Hospital and 3billion); PubMed 2296310 (cited by 5 submitters); PubMed 23591685 (cited by Department of Molecular Genetics, Istishari Arab Hospital and 3billion); PubMed 25023084 (cited by 3 submitters); PubMed 25023085 (cited by 3 submitters); PubMed 28356267 (cited by 6 submitters); PubMed 29542687 (cited by Department of Molecular Genetics, Istishari Arab Hospital and 3billion); PubMed 3267215 (cited by 3 submitters); PubMed 6129204 (cited by Department of Molecular Genetics, Istishari Arab Hospital); PubMed 8294201 (cited by Department of Molecular Genetics, Istishari Arab Hospital); PubMed 19758965 (cited by Labcorp Genetics (formerly Invitae), Labcorp and AiLife Diagnostics); PubMed 20301551 (cited by 5 submitters); PubMed 20861612 (cited by 3 submitters); PubMed 26372199 (cited by 3 submitters); PubMed 2888754 (cited by 6 submitters).